The following is an entry in ClinVar:

ClinVar aggregate classification (germline): Likely benign. Review status: criteria provided, multiple submitters, no conflicts (2 of 4 stars). 3 submissions from 3 submitters: Likely benign (3). Last evaluated 2025-11-28.

Conditions:
Inborn genetic diseases. Identifiers: MedGen C0950123, MeSH D030342.
Progressive myoclonic epilepsy. Also called: Familial progressive myoclonic epilepsy; Progressive myoclonus epilepsy; Myoclonic Epilepsies, Progressive; Myoclonus epilepsy. Identifiers: Orphanet 308, Orphanet 98261, MedGen C0751778, MONDO:0020074.

Allele frequency attached by ClinVar (database versions not stated): gnomAD exomes 0.00001 and 0.00004; ExAC 0.00002; TOPMed 0.00006.
gnomAD v4.1: 34 of 1,614,056 alleles (0.0021%); highest among the groups gnomAD compares: African/African-American, 0.02%; no homozygotes.

Submissions (3):

Labcorp Genetics (formerly Invitae), Labcorp
Classification: Likely benign for Progressive myoclonic epilepsy. Last evaluated: 2025-11-28. Review status: criteria provided, single submitter. Criteria: Invitae Variant Classification Sherloc (09022015). Collection method: clinical testing. Allele origin: germline.

GeneDx
Classification: Likely benign. Last evaluated: 2018-04-12. Review status: criteria provided, single submitter. Criteria: GeneDx Variant Classification (06012015). Collection method: clinical testing. Allele origin: germline. Affected: yes.
Comment: This variant is considered likely benign or benign based on one or more of the following criteria: it is a conservative change, it occurs at a poorly conserved position in the protein, it is predicted to be benign by multiple in silico algorithms, and/or has population frequency not consistent with disease.

Ambry Genetics
Classification: Likely benign for Inborn genetic diseases. Last evaluated: 2017-05-04. Review status: criteria provided, single submitter. Criteria: Ambry Variant Classification Scheme 2023. Collection method: clinical testing. Allele origin: germline.

NM_005506.4(SCARB2):c.915G>A (p.Thr305=)

Gene: SCARB2 (scavenger receptor class B member 2; minus strand). Cytogenetic location: 4q21.1.
Variant type: single nucleotide variant.
Coding change: c.915G>A on transcript NM_005506.4 (MANE Select); coding-DNA position 915, G replaced by A.
Protein change: p.Thr305=; no amino-acid change (threonine 305 retained).
Molecular consequence: synonymous variant.
Genome position (GRCh38, 1-based): chr4:76,174,223, C>T on the plus strand (G>A on the coding strand, the complement: SCARB2 is on the minus strand). VCF-style: chr4-76174223-C-T. GRCh37 (hg19) VCF-style: chr4-77095376-C-T.
Other names: c.486G>A, p.Thr162= (NM_001204255.2).
Identifiers: ClinVar variation 462929 (VCV000462929.13), dbSNP rs762138695, ClinGen allele CA2970225.